The following is an entry in ClinVar:

ClinVar aggregate classification (germline): Uncertain significance (1 of 4 stars; one submission).

Conditions:
Cardiovascular phenotype. Identifiers: MedGen CN230736.

Submission:

Ambry Genetics
Classification: Uncertain significance for Cardiovascular phenotype. Last evaluated: 2024-12-28. Review status: criteria provided, single submitter. Criteria: Ambry Variant Classification Scheme 2023. Collection method: clinical testing. Allele origin: germline.
Comment: The p.S37G variant (also known as c.109A>G), located in coding exon 3 of the EYA4 gene, results from an A to G substitution at nucleotide position 109. The serine at codon 37 is replaced by glycine, an amino acid with similar properties. This amino acid position is conserved. In addition, the in silico prediction for this alteration is inconclusive. Based on the available evidence, the clinical significance of this variant remains unclear.

NM_004100.5(EYA4):c.109A>G (p.Ser37Gly)

Gene: EYA4 (EYA transcriptional coactivator and phosphatase 4; plus strand). Cytogenetic location: 6q23.2.
Variant type: single nucleotide variant.
Coding change: c.109A>G on transcript NM_004100.5 (MANE Select); coding-DNA position 109, A replaced by G.
Protein change: p.Ser37Gly; replaces serine 37 with glycine.
Molecular consequence: missense variant.
Genome position (GRCh38, 1-based): chr6:133,446,655, A>G. VCF-style: chr6-133446655-A-G. GRCh37 (hg19) VCF-style: chr6-133767793-A-G.
Other names: c.109A>G, p.Ser37Gly (NM_001301012.2, NM_001301013.2, NM_001370458.1 and 3 more transcripts); short protein forms S37G.
Identifiers: ClinVar variation 3846930 (VCV003846930.1).